The following is an entry in ClinVar:

NM_018993.4(RIN2):c.1461C>T (p.Phe487=)

Gene: RIN2 (Ras and Rab interactor 2; plus strand). Cytogenetic location: 20p11.23.
Variant type: single nucleotide variant.
Coding change: c.1461C>T on transcript NM_018993.4 (MANE Select); coding-DNA position 1461, C replaced by T.
Protein change: p.Phe487=; no amino-acid change (phenylalanine 487 retained).
Molecular consequence: synonymous variant.
Genome position (GRCh38, 1-based): chr20:19,975,486, C>T. VCF-style: chr20-19975486-C-T. GRCh37 (hg19) VCF-style: chr20-19956130-C-T.
Other names: c.1608C>T, p.Phe536= (NM_001242581.2); c.843C>T, p.Phe281= (NM_001378238.1).
Identifiers: ClinVar variation 514727 (VCV000514727.29), dbSNP rs368824899, ClinGen allele CA9780091.
Genomic context (GRCh38, chr20:19,975,486, plus strand): 5'-AAGTGACCAAGAGACCATGGCGCCCCCCATCAAGTCCAAAAAGAAAAGGAGCAGCTCCTT[C>T]GTGCTGCCCAAGCTCGTCAAGTCCCAGCTGCAGAAGGTGAGCGGGGTGTTCAGCTCCTTC-3'
Protein context (NP_061866.1, residues 477-497): IKSKKKRSSS[Phe487=]VLPKLVKSQL

ClinVar aggregate classification (germline): Likely benign. Review status: criteria provided, multiple submitters, no conflicts (2 of 4 stars). 3 submissions from 3 submitters: Likely benign (3). Last evaluated 2025-10-19.

Allele frequency attached by ClinVar (database versions not stated): gnomAD exomes 0.00005 and 0.00008; TOPMed 0.00005; gnomAD 0.00006 and 0.00007; ExAC 0.00007; ESP Exome Variant Server 0.00008.
gnomAD v4.1: 88 of 1,614,048 alleles (0.0055%); highest among the groups gnomAD compares: Middle Eastern, 0.066%; no homozygotes.

Submissions (3):

Labcorp Genetics (formerly Invitae), Labcorp
Classification: Likely benign. Last evaluated: 2025-10-19. Review status: criteria provided, single submitter. Criteria: Invitae Variant Classification Sherloc (09022015). Collection method: clinical testing. Allele origin: germline.

CeGaT Center for Human Genetics Tuebingen
Classification: Likely benign. Last evaluated: 2022-08-01. Review status: criteria provided, single submitter. Criteria: CeGaT Center For Human Genetics Tuebingen Variant Classification Criteria Version 2. Collection method: clinical testing. Allele origin: germline. Affected: yes. Observed: 1 variant allele.
Comment: RIN2: BP4, BP7

GeneDx
Classification: Likely benign. Last evaluated: 2018-01-11. Review status: criteria provided, single submitter. Criteria: GeneDx Variant Classification (06012015). Collection method: clinical testing. Allele origin: germline. Affected: yes.
Comment: This variant is considered likely benign or benign based on one or more of the following criteria: it is a conservative change, it occurs at a poorly conserved position in the protein, it is predicted to be benign by multiple in silico algorithms, and/or has population frequency not consistent with disease.